The following is an entry in ClinVar:

ClinVar aggregate classification (germline): Conflicting classifications of pathogenicity. Review status: criteria provided, conflicting classifications (1 of 4 stars). 13 submissions from 13 submitters: Likely pathogenic (1); Uncertain significance (8); Likely benign (2). 2 of the submissions do not count toward it. Last evaluated 2026-03-18.

Conditions:
von Willebrand disease type 3 (VWD3). Also called: Type 3 Von Willebrand's disease; Type 3 VWD; Von Willebrand disease, severe form; V WD3; VON WILLEBRAND DISEASE, TYPE III. Identifiers: Orphanet 166096, MedGen C1264041, MONDO:0010191, OMIM 277480.
von Willebrand disease type 1 (VWD1). Also called: VON WILLEBRAND DISEASE, TYPE I; VWD, TYPE 1. Identifiers: Orphanet 166078, Orphanet 903, MedGen C1264039, MONDO:0008668, OMIM 193400. Inheritance: autosomal recessive or autosomal dominant.
von Willebrand disease type 2 (VWD2). Also called: VON WILLEBRAND DISEASE, TYPE II; VON WILLEBRAND DISEASE, TYPE 2A/IIE; VON WILLEBRAND DISEASE, TYPE 2CB; VWD, TYPE 2. Identifiers: Orphanet 166081, Orphanet 903, MedGen C1264040, MONDO:0013304, OMIM 613554.
Thrombocytopenia. Identifiers: MedGen C0040034, MeSH D013921, MONDO:0002049, HP:0001873.
Abnormal bleeding. Also called: Bleeding diathesis. Identifiers: MedGen C1458140, HP:0001892.
Abnormality of coagulation. Identifiers: MedGen C1846821, HP:0001928.

Allele frequency attached by ClinVar (database versions not stated): 1000 Genomes Project 0.00100; TOPMed 0.00108; 1000 Genomes Project 30x 0.00109; ESP Exome Variant Server 0.00131.
gnomAD v4.1: 2,181 of 1,613,616 alleles (0.14%); highest among the groups gnomAD compares: Middle Eastern, 0.17%; 4 homozygotes.

Submissions (14):

Women's Health and Genetics/Laboratory Corporation of America, LabCorp
Classification: Uncertain significance. Last evaluated: 2026-03-18. Review status: criteria provided, single submitter. Criteria: LabCorp Variant Classification Summary - May 2015. Collection method: clinical testing. Allele origin: germline.
Comment: Variant summary: VWF c.7988G>C (p.Arg2663Pro) results in a non-conservative amino acid change in the encoded protein sequence. Algorithms developed to predict the effect of missense changes on protein structure and function are either unavailable or do not agree on the potential impact of this missense change. Consensus agreement among computation tools predict no significant impact on normal splicing. However, these predictions have yet to be confirmed by functional studies. The variant allele was found at a frequency of 0.0015 in 251232 control chromosomes (gnomAD v2) and 4 homozygotes were reported in gnomAD v4. dataset. This frequency is not significantly higher than estimated for disease-causing variants in VWF, allowing no conclusion about variant significance. c.7988G>C has been reported in the literature in individuals affected with Von Willebrand Disease and with other coagulation/bleeding disorders (e.g. Goodeve_2007, Downes_2019, Borras_2022, Vangenechten_2022, Connaughton_2023). These reports do not provide unequivocal conclusions about association of the variant with Von Willebrand Disease. To our knowledge, no experimental evidence demonstrating an impact on protein function has been reported. The following publications have been ascertained in the context of this evaluation (PMID: 34708896, 37466676, 31064749, 16985174, 36299619). ClinVar contains an entry for this variant (Variation ID: 372760). Based on the evidence outlined above, the variant was classified as uncertain significance.

Quest Diagnostics Nichols Institute San Juan Capistrano
Classification: Uncertain significance. Last evaluated: 2025-09-04. Review status: criteria provided, single submitter. Criteria: Quest Diagnostics criteria. Collection method: clinical testing. Allele origin: unknown.
Comment: The VWF c.7988G>C (p.Arg2663Pro) variant has been reported in the published literature in individuals affected with Type 1 or Type 2 von Willebrand disease (vWD) (PMIDs: 16985174 (2007), 18315556 (2008), 36299619 (2022)) and other bleeding/platelet disorders (PMIDs: 23648131 (2013), 31064749 (2019), 31352677 (2019), 37466676 (2023)). There are also reports of this variant occurring with other clinically significant variants in individuals affected with a suspected Type 2N vWD (PMID: 39510415 (2025)), hemophilia (PMID: 34708896 (2021)), platelet disorder (PMID: 32935436 (2020)), and Ehlers–Danlos syndrome (PMID: 38534782 (2024)). One publication reported that this variant had GPIIb/IIIa binding activity and a multimer pattern comparable to the wild-type (PMID: 31035301 (2019)). The frequency of this variant in the general population (Genome Aggregation Database) is uninformative in the assessment of its pathogenicity. Analysis of this variant using bioinformatics tools for the prediction of the effect of amino acid changes on protein structure and function yielded conflicting predictions that this variant is deleterious or benign. Based on the available information, we are unable to determine the clinical significance of this variant.

GeneDx
Classification: Uncertain significance. Last evaluated: 2025-05-16. Review status: criteria provided, single submitter. Criteria: GeneDx Variant Classification Process June 2021. Collection method: clinical testing. Allele origin: germline. Affected: yes.
Comment: Observed in individuals with von Willebrand disease or other unspecified bleeding disorders (PMID: 16985174, 31064749, 32935436, 36299619); Published functional studies suggest this variant does not impair glycoprotein IIb/llla binding (PMID: 31035301); In silico analysis suggests that this missense variant does not alter protein structure/function; This variant is associated with the following publications: (PMID: 23648131, 27320760, 34426522, 31064749, 32935436, 31035301, 31968368, 31352677, 34708896, 36299619, 16985174, 37466676, 39510415, 18315556, 38534782, 37845247, 23690449)

CeGaT Center for Human Genetics Tuebingen
Classification: Likely benign. Last evaluated: 2025-01-01. Review status: criteria provided, single submitter. Criteria: CeGaT Center For Human Genetics Tuebingen Variant Classification Criteria Version 2. Collection method: clinical testing. Allele origin: germline. Affected: yes. Observed: 3 variant alleles.
Comment: VWF: BP4, BS2

Blueprint Genetics
Classification: Likely benign. Last evaluated: 2024-11-27. Review status: criteria provided, single submitter. Criteria: ACMG Guidelines, 2015. Collection method: clinical testing. Allele origin: germline.

Revvity Omics, Revvity
Classification: Uncertain significance. Last evaluated: 2024-08-14. Review status: criteria provided, single submitter. Criteria: ACMG Guidelines, 2015. Collection method: clinical testing. Allele origin: germline.

Fulgent Genetics
Classification: Uncertain significance for von Willebrand disease type 1; von Willebrand disease type 3; von Willebrand disease type 2. Last evaluated: 2024-03-29. Review status: criteria provided, single submitter. Criteria: ACMG Guidelines, 2015. Collection method: clinical testing. Allele origin: germline.

ARUP Laboratories, Molecular Genetics and Genomics, ARUP Laboratories
Classification: Uncertain significance. Last evaluated: 2023-11-14. Review status: criteria provided, single submitter. Criteria: ARUP Molecular Germline Variant Investigation Process 2024. Collection method: clinical testing. Allele origin: germline.
Comment: The VWF c.7988G>C; p.Arg2663Pro variant (rs149834874) is reported in the literature in the compound heterozygous state in an individual affected with type 1 von Willebrand disease (Goodeve 2007). This variant is also reported in individuals with other bleeding disorders, either with alternate molecular explanation for disease or without clear disease association (Borras 2022, Connaughton 2023, Downes 2019, Nicchia 2016). This variant is also reported in ClinVar (Variation ID: 372760), and is found in the general population with an overall allele frequency of 0.14% (404/282,640 alleles) in the Genome Aggregation Database (v2.1.1). Computational analyses are uncertain whether this variant is neutral or deleterious (REVEL: 0.258). Due to limited clinical and functional data, the significance of this variant is uncertain at this time. References: Borras N et al. Molecular study of a large cohort of 109 haemophilia patients from Cuba using a gene panel with next generation sequencing-based technology. Haemophilia. 2022 Jan;28(1):125-137. PMID: 34708896. Connaughton DM et al. Genotypic analysis of a large cohort of patients with suspected atypical hemolytic uremic syndrome. J Mol Med (Berl). 2023 Aug;101(8):1029-1040. PMID: 37466676. Downes K et al. Diagnostic high-throughput sequencing of 2396 patients with bleeding, thrombotic, and platelet disorders. Blood. 2019 Dec 5;134(23):2082-2091. PMID: 31064749. Goodeve A et al. Phenotype and genotype of a cohort of families historically diagnosed with type 1 von Willebrand disease in the European study, Molecular and Clinical Markers for the Diagnosis and Management of Type 1 von Willebrand Disease (MCMDM-1VWD). Blood. 2007 Jan 1;109(1):112-21. PMID: 16985174. Nicchia E et al. Molecular diagnosis of thrombocytopenia-absent radius syndrome using next-generation sequencing. Int J Lab Hematol. 2016 Aug;38(4):412-8. PMID: 27320760.

Mendelics
Classification: Uncertain significance. Last evaluated: 2022-05-04. Review status: criteria provided, single submitter. Criteria: Mendelics Assertion Criteria 2019. Collection method: clinical testing. Allele origin: germline.

NIHR Bioresource Rare Diseases, University of Cambridge
Classification: Likely pathogenic for Abnormality of coagulation. Last evaluated: 2019-02-01. Review status: criteria provided, single submitter. Criteria: ACMG Guidelines, 2015. Collection method: research. Allele origin: unknown. Affected: yes. Observed: 1 heterozygote. Study: ThromboGenomics.

ISTH-SSC Genomics in Thrombosis and Hemostasis, KU Leuven, Center for Molecular and Vascular Biology
Classification: Uncertain significance for von Willebrand disease type 1. Review status: criteria provided, single submitter. Criteria: ACMG Guidelines, 2015. Collection method: clinical testing. Allele origin: germline. Affected: yes. Observed: 1 heterozygote.
Comment: Submitted to GoldVariant by Kathleen Freson, Center for Molecular and Vascular Biology, Leuven, Belgium

Zotz-Klimas Genetics Lab, MVZ Zotz Klimas
Classification: Uncertain significance for von Willebrand disease type 1. Last evaluated: 2023-10-30. Review status: no assertion criteria provided. Collection method: clinical testing. Allele origin: germline. Affected: yes. Not counted in ClinVar's aggregate classification.

Birmingham Platelet Group; University of Birmingham
Classification: Uncertain significance for Thrombocytopenia; Abnormal bleeding. Last evaluated: 2020-05-01. Review status: no assertion criteria provided. Collection method: research. Allele origin: germline. Affected: yes. Not counted in ClinVar's aggregate classification.

Dr. Peter K. Rogan Lab, Western University
No classification provided (evidence only). Condition: Malignant tumor of urinary bladder. Review status: no classification provided. Collection method: in vitro. Allele origin: not applicable. Functional consequence: retained intron. Not counted in ClinVar's aggregate classification.

Literature cited by the submitters: PubMed 16985174 (cited by Women's Health and Genetics/Laboratory Corporation of America, LabCorp and Quest Diagnostics Nichols Institute San Juan Capistrano); PubMed 31064749 (cited by 3 submitters); PubMed 36299619 (cited by Women's Health and Genetics/Laboratory Corporation of America, LabCorp and Quest Diagnostics Nichols Institute San Juan Capistrano); PubMed 37466676 (cited by Women's Health and Genetics/Laboratory Corporation of America, LabCorp and Quest Diagnostics Nichols Institute San Juan Capistrano); PubMed 34708896 (cited by Women's Health and Genetics/Laboratory Corporation of America, LabCorp and Quest Diagnostics Nichols Institute San Juan Capistrano); PubMed 39510415 (cited by Quest Diagnostics Nichols Institute San Juan Capistrano); PubMed 32935436 (cited by Quest Diagnostics Nichols Institute San Juan Capistrano); PubMed 23648131 (cited by Quest Diagnostics Nichols Institute San Juan Capistrano); PubMed 27320760 (cited by Quest Diagnostics Nichols Institute San Juan Capistrano); PubMed 23216583 (cited by Quest Diagnostics Nichols Institute San Juan Capistrano); PubMed 23690449 (cited by Quest Diagnostics Nichols Institute San Juan Capistrano); PubMed 29590070 (cited by Quest Diagnostics Nichols Institute San Juan Capistrano); PubMed 31035301 (cited by Quest Diagnostics Nichols Institute San Juan Capistrano); PubMed 31352677 (cited by Quest Diagnostics Nichols Institute San Juan Capistrano); PubMed 31968368 (cited by Quest Diagnostics Nichols Institute San Juan Capistrano); PubMed 37845247 (cited by Quest Diagnostics Nichols Institute San Juan Capistrano); PubMed 38534782 (cited by Quest Diagnostics Nichols Institute San Juan Capistrano); PubMed 34426522 (cited by Quest Diagnostics Nichols Institute San Juan Capistrano); PubMed 18315556 (cited by Quest Diagnostics Nichols Institute San Juan Capistrano).

NM_000552.5(VWF):c.7988G>C (p.Arg2663Pro)

Gene: VWF (von Willebrand factor; minus strand). Cytogenetic location: 12p13.31.
Variant type: single nucleotide variant.
Coding change: c.7988G>C on transcript NM_000552.5 (MANE Select); coding-DNA position 7988, G replaced by C.
Protein change: p.Arg2663Pro; replaces arginine 2663 with proline.
Molecular consequence: missense variant.
Genome position (GRCh38, 1-based): chr12:5,952,518, C>G on the plus strand (G>C on the coding strand, the complement: VWF is on the minus strand). VCF-style: chr12-5952518-C-G. GRCh37 (hg19) VCF-style: chr12-6061684-C-G.
Other names: short protein forms R2663P.
Identifiers: ClinVar variation 372760 (VCV000372760.63), dbSNP rs149834874, ClinGen allele CA6401423.
Genomic context (GRCh38, chr12:5,952,518, plus strand): 5'-TCTCCTCTCTCATTGACCTTGCAGAAGTGAGTATCACAGCCATCCTGGAGCGTCTCATCA[C>G]GCTGGAAGGAAAGAGGAGTGGGTAAAGTCAGAGACAGTGTTTGGTTCACAAAGCCACTTC-3'
Protein context (NP_000543.3, residues 2653-2673): LRGGQIMTLK[Arg2663Pro]DETLQDGCDT